The following is an entry in ClinVar:

ClinVar aggregate classification (germline): Uncertain significance (1 of 4 stars; one submission).

Conditions:
Inborn genetic diseases. Identifiers: MedGen C0950123, MeSH D030342.

gnomAD v4.1: 2 of 1,613,464 alleles (0.00012%); highest among the groups gnomAD compares: African/African-American, 0.0013%; no homozygotes.

Submission:

Ambry Genetics
Classification: Uncertain significance for Inborn genetic diseases. Last evaluated: 2025-01-29. Review status: criteria provided, single submitter. Criteria: Ambry Variant Classification Scheme 2023. Collection method: clinical testing. Allele origin: germline.
Comment: The p.D1091V variant (also known as c.3272A>T), located in coding exon 15 of the MECOM gene, results from an A to T substitution at nucleotide position 3272. The aspartic acid at codon 1091 is replaced by valine, an amino acid with highly dissimilar properties. This amino acid position is conserved. In addition, this alteration is predicted to be tolerated by in silico analysis. Based on the available evidence, the clinical significance of this variant remains unclear.

NM_004991.4(MECOM):c.3272A>T (p.Asp1091Val)

Gene: MECOM (MDS1 and EVI1 complex locus; minus strand). Cytogenetic location: 3q26.2.
Variant type: single nucleotide variant.
Coding change: c.3272A>T on transcript NM_004991.4 (MANE Select); coding-DNA position 3272, A replaced by T.
Protein change: p.Asp1091Val; replaces aspartic acid 1091 with valine.
Molecular consequence: missense variant.
Genome position (GRCh38, 1-based): chr3:169,090,129, T>A on the plus strand (A>T on the coding strand, the complement: MECOM is on the minus strand). VCF-style: chr3-169090129-T-A. GRCh37 (hg19) VCF-style: chr3-168807917-T-A.
Other names: c.2903A>T, p.Asp968Val (NM_001105077.4); c.2708A>T, p.Asp903Val (NM_001105078.4, NM_001205194.2, NM_001366469.2 and 1 more transcripts); c.2684A>T, p.Asp895Val (NM_001163999.2, NM_001366470.2); c.2681A>T, p.Asp894Val (NM_001164000.2, NM_001366471.2, NM_001366472.2); c.3245A>T, p.Asp1082Val (NM_001366466.2); c.2711A>T, p.Asp904Val (NM_001366467.2, NM_001366468.2); c.2273A>T, p.Asp758Val (NM_001366473.2); c.1709A>T, p.Asp570Val (NM_001366474.2); short protein forms D904V, D1082V, D1091V, D570V, D894V, D758V, D895V, D903V.
Identifiers: ClinVar variation 3871765 (VCV003871765.1).